The following is an entry in ClinVar:

ClinVar aggregate classification (germline): Pathogenic. Review status: criteria provided, multiple submitters, no conflicts (2 of 4 stars). 3 submissions from 3 submitters: Pathogenic (3). Last evaluated 2023-08-25.

Conditions:
Hereditary nonpolyposis colorectal neoplasms. Identifiers: MedGen C0009405, MeSH D003123.
Lynch syndrome 5 (LYNCH5). Also called: Colorectal cancer, hereditary nonpolyposis, type 5; Hereditary non-polyposis colorectal cancer, type 5. Identifiers: Orphanet 144, MedGen C1833477, MONDO:0013710, OMIM 614350. Disease mechanism: loss of function.
Hereditary cancer-predisposing syndrome. Also called: Neoplastic Syndromes, Hereditary; Tumor predisposition; Hereditary Cancer Syndrome; Hereditary neoplastic syndrome. Identifiers: Orphanet 140162, MedGen C0027672, MeSH D009386, MONDO:0015356.

Submissions (3):

Myriad Genetics, Inc.
Classification: Pathogenic for Lynch syndrome 5. Last evaluated: 2023-08-25. Review status: criteria provided, single submitter. Criteria: Myriad Autosomal Dominant, Autosomal Recessive and X-Linked Classification Criteria (2023). Collection method: clinical testing. Allele origin: unknown.
Comment: This variant is considered pathogenic. This variant creates a frameshift predicted to result in premature protein truncation.

Ambry Genetics
Classification: Pathogenic for Hereditary cancer-predisposing syndrome. Last evaluated: 2021-11-05. Review status: criteria provided, single submitter. Criteria: Ambry Variant Classification Scheme 2023. Collection method: clinical testing. Allele origin: germline.
Comment: The c.3846dupT pathogenic mutation, located in coding exon 9 of the MSH6 gene, results from a duplication of one nucleotide at position 3846, causing a translational frameshift with a predicted alternate stop codon. This alteration is expected to result in loss of function by premature protein truncation or nonsense-mediated mRNA decay. As such, this alteration is interpreted as a disease-causing mutation.

Labcorp Genetics (formerly Invitae), Labcorp
Classification: Pathogenic for Hereditary nonpolyposis colorectal neoplasms. Last evaluated: 2021-04-27. Review status: criteria provided, single submitter. Criteria: Invitae Variant Classification Sherloc (09022015). Collection method: clinical testing. Allele origin: germline.
Comment: This variant is not present in population databases (ExAC no frequency). For these reasons, this variant has been classified as Pathogenic. This variant has been observed in individual(s) with clinical features of Lynch syndrome (PMID: 28514183). ClinVar contains an entry for this variant (Variation ID: 232687). This sequence change creates a premature translational stop signal (p.Ile1283Tyrfs*6) in the MSH6 gene. It is expected to result in an absent or disrupted protein product. Loss-of-function variants in MSH6 are known to be pathogenic (PMID: 18269114, 24362816).

Literature cited by the submitters: PubMed 28514183 (cited by Labcorp Genetics (formerly Invitae), Labcorp); PubMed 18269114 (cited by Labcorp Genetics (formerly Invitae), Labcorp); PubMed 24362816 (cited by Labcorp Genetics (formerly Invitae), Labcorp).

NM_000179.3(MSH6):c.3846dup (p.Ile1283fs)

Gene: MSH6 (mutS homolog 6; plus strand). Cytogenetic location: 2p16.3.
Variant type: Duplication.
Coding change: c.3846dup on transcript NM_000179.3 (MANE Select); coding-DNA position 3846, one base duplicated (T; older notation c.3846dupT).
Protein change: p.Ile1283fs; shifts the reading frame from isoleucine 1283.
Molecular consequence: frameshift variant.
Genome position (GRCh38, 1-based): chr2:47,806,496, T duplicated. VCF-style (leftmost placement, unchanged base first): chr2-47806495-C-CT. GRCh37 (hg19) VCF-style: chr2-48033634-C-CT.
Other names: c.3456dup, p.Ile1153fs (NM_001281492.2); c.2940dup, p.Ile981fs (NM_001281493.2, NM_001281494.2); c.3846dupT (NM_000179.2); short protein forms I1153fs, I1283fs, I981fs.
Identifiers: ClinVar variation 232687 (VCV000232687.14), dbSNP rs866771359, ClinGen allele CA10578166.